The following is an entry in ClinVar:

NM_000038.6(APC):c.1994_1996delinsG (p.Leu665fs)

Gene: APC (APC regulator of Wnt signaling pathway; plus strand). Cytogenetic location: 5q22.2.
Variant type: Indel.
Coding change: c.1994_1996delinsG on transcript NM_000038.6 (MANE Select); coding-DNA positions 1994 to 1996, TAT replaced by G.
Protein change: p.Leu665fs; shifts the reading frame from leucine 665.
Molecular consequence: frameshift variant. On other transcripts: non-coding transcript variant (2).
Genome position (GRCh38, 1-based): chr5:112,837,588-112,837,590, TAT replaced by G. VCF-style: chr5-112837588-TAT-G. GRCh37 (hg19) VCF-style: chr5-112173285-TAT-G.
Other names: c.1994_1996delinsG, p.Leu665fs (NM_001127510.3, NM_001354895.2, NM_001407450.1); c.1940_1942delinsG, p.Leu647fs (NM_001127511.3); c.2048_2050delinsG, p.Leu683fs (NM_001354896.2, NM_001407447.1, NM_001407448.1 and 1 more transcripts); c.2024_2026delinsG, p.Leu675fs (NM_001354897.2); c.1919_1921delinsG, p.Leu640fs (NM_001354898.2); c.1910_1912delinsG, p.Leu637fs (NM_001354899.2); c.1871_1873delinsG, p.Leu624fs (NM_001354900.2); c.1817_1819delinsG, p.Leu606fs (NM_001354901.2, NM_001407453.1); and 11 more; short protein forms L281fs, L382fs, L505fs, L536fs, L539fs, L564fs, L574fs, L582fs.
Identifiers: ClinVar variation 2584152 (VCV002584152.2), dbSNP rs2533389922, ClinGen allele CA2582341415.
Genomic context (GRCh38, chr5:112,837,588, plus strand): 5'-TTGTGATCTCTTGATTTTATTTCAGGCAAATCCTAAGAGAGAACAACTGTCTACAAACTT[TAT>G]TACAACACTTAAAATCTCATAGTTTGACAATAGTCAGTAATGCATGTGGAACTTTGTGGA-3'

ClinVar aggregate classification (germline): Pathogenic (1 of 4 stars; one submission).

Conditions:
Familial adenomatous polyposis 1 (FAP1). Also called: FAMILIAL ADENOMATOUS POLYPOSIS 1, ATTENUATED; POLYPOSIS, ADENOMATOUS INTESTINAL. Identifiers: MedGen C2713442, MONDO:0021056, OMIM 175100. Disease mechanism: loss of function.

Submission:

Myriad Genetics, Inc.
Classification: Pathogenic for Familial adenomatous polyposis 1. Last evaluated: 2023-05-03. Review status: criteria provided, single submitter. Criteria: Myriad Autosomal Dominant, Autosomal Recessive and X-Linked Classification Criteria (2023). Collection method: clinical testing. Allele origin: unknown.
Comment: This variant is considered pathogenic. This variant creates a frameshift predicted to result in premature protein truncation.